The following is an entry in ClinVar:

NM_004655.4(AXIN2):c.815+5G>C

Gene: AXIN2 (axin 2; minus strand). Cytogenetic location: 17q24.1.
Variant type: single nucleotide variant.
Coding change: c.815+5G>C on transcript NM_004655.4 (MANE Select); 5 bases into the intron after coding-DNA position 815, G replaced by C.
Molecular consequence: intron variant.
Genome position (GRCh38, 1-based): chr17:65,557,801, C>G on the plus strand (G>C on the coding strand, the complement: AXIN2 is on the minus strand). VCF-style: chr17-65557801-C-G. GRCh37 (hg19) VCF-style: chr17-63553919-C-G.
Other names: c.815+5G>C (NM_001363813.1).
Identifiers: ClinVar variation 2803871 (VCV002803871.3), dbSNP rs1057520237, ClinGen allele CA2739268307.

ClinVar aggregate classification (germline): Uncertain significance (1 of 4 stars; one submission).

Conditions:
Oligodontia-cancer predisposition syndrome. Also called: TOOTH AGENESIS-COLORECTAL CANCER SYNDROME. Identifiers: Orphanet 300576, MedGen C1837750, MONDO:0012075, OMIM 608615. Disease mechanism: loss of function.

Submission:

Labcorp Genetics (formerly Invitae), Labcorp
Classification: Uncertain significance for Oligodontia-cancer predisposition syndrome. Last evaluated: 2022-11-08. Review status: criteria provided, single submitter. Criteria: Invitae Variant Classification Sherloc (09022015). Collection method: clinical testing. Allele origin: germline.
Comment: This variant is not present in population databases (gnomAD no frequency). In summary, the available evidence is currently insufficient to determine the role of this variant in disease. Therefore, it has been classified as a Variant of Uncertain Significance. Variants that disrupt the consensus splice site are a relatively common cause of aberrant splicing (PMID: 17576681, 9536098). Algorithms developed to predict the effect of sequence changes on RNA splicing suggest that this variant is not likely to affect RNA splicing. This variant has not been reported in the literature in individuals affected with AXIN2-related conditions. This sequence change falls in intron 2 of the AXIN2 gene. It does not directly change the encoded amino acid sequence of the AXIN2 protein. It affects a nucleotide within the consensus splice site.

Literature cited by the submitters: PubMed 17576681; PubMed 9536098.